The following is an entry in ClinVar:

ClinVar aggregate classification (germline): Uncertain significance (1 of 4 stars; one submission).

Conditions:
Joubert syndrome. Also called: Familial aplasia of the vermis; CEREBELLOPARENCHYMAL DISORDER IV; JOUBERT-BOLTSHAUSER SYNDROME. Identifiers: Orphanet 475, MedGen C5979921, MONDO:0018772.

Submission:

Labcorp Genetics (formerly Invitae), Labcorp
Classification: Uncertain significance for Joubert syndrome. Last evaluated: 2022-09-12. Review status: criteria provided, single submitter. Criteria: Invitae Variant Classification Sherloc (09022015). Collection method: clinical testing. Allele origin: germline.
Comment: This variant results in a copy number gain of the genomic region encompassing exon(s) 3-4 of the AHI1 gene. This region includes the initiator codon of the gene. This copy number gain extends beyond the assayed region for this gene and therefore may encompass additional genes. As the precise location of this event is unknown, it may be in tandem or it may be located elsewhere in the genome. This variant has not been reported in the literature in individuals affected with AHI1-related conditions. In summary, the available evidence is currently insufficient to determine the role of this variant in disease. Therefore, it has been classified as a Variant of Uncertain Significance.

NC_000006.11:g.(?_135811741)_(135813375_?)dup

Gene: AHI1 (Abelson helper integration site 1; minus strand). Cytogenetic location: 6q23.3.
Variant type: Duplication.
Identifiers: ClinVar variation 1056289 (VCV001056289.7).